The following is an entry in ClinVar:

ClinVar aggregate classification (germline): Pathogenic. Review status: criteria provided, multiple submitters, no conflicts (2 of 4 stars). 4 submissions from 4 submitters: Pathogenic (3). 1 of the submissions does not count toward it. Last evaluated 2024-03-11.

Conditions:
APRT-related disorder. Also called: APRT-related condition.
Adenine phosphoribosyltransferase deficiency (APRTD). Also called: Urolithiasis, dha; 2,8-dihydroxyadenine urolithiasis; APRT DEFICIENCY; NEPHROLITHIASIS, DHA. Identifiers: Orphanet 976, MedGen C0268120, MONDO:0013869, OMIM 614723.

Allele frequency attached by ClinVar (database versions not stated): ExAC 0.00001; gnomAD exomes 0.00001; TOPMed 0.00001; ESP Exome Variant Server 0.00008.
gnomAD v4.1: 18 of 1,611,490 alleles (0.0011%); highest among the groups gnomAD compares: East Asian, 0.0022%; no homozygotes.

Submissions (4):

Fulgent Genetics
Classification: Pathogenic for Adenine phosphoribosyltransferase deficiency. Last evaluated: 2024-03-11. Review status: criteria provided, single submitter. Criteria: ACMG Guidelines, 2015. Collection method: clinical testing. Allele origin: germline.

Blueprint Genetics
Classification: Pathogenic for APRT-related disorders. Last evaluated: 2020-05-05. Review status: criteria provided, single submitter. Criteria: ACMG Guidelines, 2015. Collection method: clinical testing. Allele origin: germline. Affected: yes. Observed: 1 variant allele.

Juno Genomics, Hangzhou Juno Genomics, Inc
Classification: Pathogenic for Adenine phosphoribosyltransferase deficiency. Review status: criteria provided, single submitter. Criteria: ACMG Guidelines, 2015. Collection method: clinical testing. Allele origin: germline.
Comment: Absent from controls (or at extremely low frequency if recessive) in Genome Aggregation Database.;Null variant in a gene where loss of function (LOF) is a known mechanism of disease.;For recessive disorders, detected in trans with a pathogenic variant.;Patient's phenotype or family history is highly specific for a disease with a single genetic etiology.

APRT Deficiency Research Program of the Rare Kidney Stone Consortium, Landspitali, National University Hospital of Iceland
Classification: Pathogenic for Adenine phosphoribosyltransferase deficiency. Last evaluated: 2020-09-01. Review status: no assertion criteria provided. Collection method: literature only. Allele origin: germline. Affected: yes. Not counted in ClinVar's aggregate classification.

NM_000485.3(APRT):c.199C>T (p.Arg67Ter)

Gene: APRT (adenine phosphoribosyltransferase; minus strand). Cytogenetic location: 16q24.3.
Variant type: single nucleotide variant.
Coding change: c.199C>T on transcript NM_000485.3 (MANE Select); coding-DNA position 199, C replaced by T.
Protein change: p.Arg67Ter; replaces arginine 67 with a stop codon.
Molecular consequence: nonsense.
Genome position (GRCh38, 1-based): chr16:88,810,545, G>A on the plus strand (C>T on the coding strand, the complement: APRT is on the minus strand). VCF-style: chr16-88810545-G-A. GRCh37 (hg19) VCF-style: chr16-88876953-G-A.
Other names: c.199C>T, p.Arg67Ter (NM_001030018.2); short protein forms R67*.
Identifiers: ClinVar variation 988045 (VCV000988045.5), dbSNP rs369681854, ClinGen allele CA8234512.